The following is an entry in ClinVar:

NM_000157.4(GBA1):c.762-1G>C

Genes: GBA1 (glucosylceramidase beta 1; minus strand), LOC106627981 (GBA recombination region; plus strand). Cytogenetic location: 1q22.
Variant type: single nucleotide variant.
Coding change: c.762-1G>C on transcript NM_000157.4 (MANE Select); the canonical splice acceptor site of the intron before coding-DNA position 762, G replaced by C.
Molecular consequence: splice acceptor variant.
Genome position (GRCh38, 1-based): chr1:155,237,579, C>G on the plus strand (G>C on the coding strand, the complement: GBA1 is on the minus strand). VCF-style: chr1-155237579-C-G. GRCh37 (hg19) VCF-style: chr1-155207370-C-G.
Other names: c.501-1G>C (NM_001171811.2); c.762-1G>C (NM_001005742.3, NM_001005741.3, NM_000157.3); c.615-1G>C (NM_001171812.2).
Identifiers: ClinVar variation 633240 (VCV000633240.10), dbSNP rs1237637353, ClinGen allele CA342720982.

ClinVar aggregate classification (germline): Pathogenic/Likely pathogenic. Review status: criteria provided, multiple submitters, no conflicts (2 of 4 stars). 4 submissions from 4 submitters: Pathogenic (3); Likely pathogenic (1). Last evaluated 2025-09-30.

Conditions:
Lewy body dementia (DLB). Also called: Lewy Body Disease. Identifiers: MedGen C0752347, MONDO:0007488, OMIM 127750.
Gaucher disease perinatal lethal. Also called: Gaucher disease collodion type; Gaucher Disease, Perinatal-Lethal Form. Identifiers: Orphanet 85212, MedGen C1842704, MONDO:0011945, OMIM 608013.
Gaucher disease type I (GD1). Also called: GD 1; Gaucher's disease, type 1; ACID BETA-GLUCOSIDASE DEFICIENCY; GAUCHER DISEASE, NONCEREBRAL JUVENILE; GBA DEFICIENCY; GD I. Identifiers: Orphanet 355, Orphanet 77259, MedGen C1961835, MONDO:0009265, OMIM 230800.
Gaucher disease type II (GD2). Also called: GAUCHER DISEASE, ACUTE NEURONOPATHIC TYPE; GD II; Acute neuronopathic Gaucher's disease; Type 2 Gaucher disease (Acute; Infantile). Identifiers: Orphanet 77260, MedGen C0268250, MONDO:0009266, OMIM 230900.
Gaucher disease type III. Also called: Gaucher Disease, Type 3; GAUCHER DISEASE, CHRONIC NEURONOPATHIC TYPE; GAUCHER DISEASE, JUVENILE AND ADULT, CEREBRAL; GAUCHER DISEASE, SUBACUTE NEURONOPATHIC TYPE; GD III; Subacute neuronopathic Gaucher's disease. Identifiers: Orphanet 355, Orphanet 77261, MedGen C0268251, MONDO:0009267, OMIM 231000.
Gaucher disease-ophthalmoplegia-cardiovascular calcification syndrome. Also called: GAUCHER DISEASE, TYPE IIIC. Identifiers: Orphanet 2072, MedGen C1856476, MONDO:0009268, OMIM 231005.
Parkinson disease, late-onset (PD). Also called: PARKINSON DISEASE, LATE-ONSET, SUSCEPTIBILITY TO; Susceptibility to Parkinson's Disease; Hereditary late onset Parkinson disease. Identifiers: Orphanet 411602, MedGen C3160718, MONDO:0008199, OMIM 168600.
Gaucher disease. Also called: Acute cerebral Gaucher disease; Cerebroside lipidosis syndrome; Gaucher splenomegaly; Sphingolipidosis 1; Glucocerebrosidosis; Glucosylceramidase deficiency. Identifiers: Orphanet 355, MedGen C0017205, MONDO:0018150.

Allele frequency attached by ClinVar (database versions not stated): gnomAD exomes below 0.00001; TOPMed below 0.00001; gnomAD 0.00001 and 0.00003.
gnomAD v4.1: 3 of 1,613,282 alleles (0.00019%); highest among the groups gnomAD compares: East Asian, 0.0067%; no homozygotes.

Submissions (4):

Natera, Inc.
Classification: Pathogenic for Gaucher disease. Last evaluated: 2025-09-30. Review status: criteria provided, single submitter. Criteria: Natera Variant Classification Schema (03/2026). Collection method: clinical testing. Allele origin: germline.
Comment: The c.762-1G>C variant in GBA1 is a canonical splice acceptor site variant predicted to affect pre-mRNA splicing, which may result in an abnormal transcript and altered protein product. This variant is expected to result in nonsense mediated decay, truncation, or a dysfunctional protein product. This variant is rare in the general population with a frequency below the threshold expected for the associated phenotype(s). This variant has been observed in one or more individuals affected with the associated recessive disease, as either homozygous or compound heterozygous with a second variant (PMID: 27865684). Given the available evidence, this variant is classified as Pathogenic.

Fulgent Genetics
Classification: Likely pathogenic for Lewy body dementia; Parkinson disease, late-onset; Gaucher disease type I; Gaucher disease type II; Gaucher disease type III; Gaucher disease-ophthalmoplegia-cardiovascular calcification syndrome; Gaucher disease perinatal lethal. Last evaluated: 2021-11-06. Review status: criteria provided, single submitter. Criteria: ACMG Guidelines, 2015. Collection method: clinical testing. Allele origin: unknown.

Institute of Human Genetics Munich, TUM University Hospital
Classification: Pathogenic for Parkinson disease, late-onset. Last evaluated: 2019-06-07. Review status: criteria provided, single submitter. Criteria: Classification criteria August 2017. Collection method: clinical testing. Allele origin: germline. Inheritance: Autosomal dominant inheritance. Affected: yes. Observed: 1 heterozygote.

Women's Health and Genetics/Laboratory Corporation of America, LabCorp
Classification: Pathogenic for Gaucher disease. Last evaluated: 2018-12-24. Review status: criteria provided, single submitter. Criteria: LabCorp Variant Classification Summary - May 2015. Collection method: clinical testing. Allele origin: germline.
Comment: Variant summary: GBA c.762-1G>C is located in a canonical splice-site and is predicted to affect mRNA splicing resulting in a significantly altered protein due to either exon skipping, shortening, or inclusion of intronic material. Several computational tools predict a significant impact on normal splicing: Five predict the variant abolishes a 3 acceptor site. At least one publication reports experimental evidence that this variant affects mRNA splicing, leading to exon 7 skipping (Suwannarat_2007). The variant allele was found at a frequency of 7.3e-06 in 275322 control chromosomes (gnomAD). The variant, c.762-1G>C, has been reported in the literature in individuals affected with Gaucher Disease, in one homozygote and in another family in two compound heterozygotes siblings (Feng_2018, Suwannarat_2007). At least one publication reports experimental evidence evaluating an impact on protein function, with approximately 13% of normal GBA activity in peripheral leukocytes of a homozygote patient (Feng_2018). No clinical diagnostic laboratories have submitted clinical-significance assessments for this variant to ClinVar after 2014. Based on the evidence outlined above, the variant was classified as pathogenic.

Literature cited by the submitters: PubMed 27865684 (cited by Natera, Inc. and Women's Health and Genetics/Laboratory Corporation of America, LabCorp); PubMed 17689991 (cited by Women's Health and Genetics/Laboratory Corporation of America, LabCorp); PubMed 18338393 (cited by Women's Health and Genetics/Laboratory Corporation of America, LabCorp).